The following is an entry in ClinVar:

NM_000135.4(FANCA):c.291_295del (p.Leu98fs)

Gene: FANCA (FA complementation group A; minus strand). Cytogenetic location: 16q24.3.
Variant type: Deletion.
Coding change: c.291_295del on transcript NM_000135.4 (MANE Select); coding-DNA positions 291 to 295, 5 bases deleted (TTTGC; older notation c.291_295delTTTGC).
Protein change: p.Leu98fs; shifts the reading frame from leucine 98.
Molecular consequence: frameshift variant.
Genome position (GRCh38, 1-based): chr16:89,811,060-89,811,064, GCAAA deleted on the plus strand (TTTGC on the coding strand, the reverse complement: FANCA is on the minus strand); deleting any 5 consecutive bases within chr16:89,811,060-89,811,067 gives the same sequence; the c. name uses the placement nearest the transcript's 3' end. VCF-style (leftmost placement, unchanged base first): chr16-89811059-TGCAAA-T. GRCh37 (hg19) VCF-style: chr16-89877467-TGCAAA-T.
Other names: c.291_295del, p.Leu98fs (NM_001018112.3, NM_001286167.3, NM_001351830.2); c.291_295del (NM_000135.3); short protein forms L98fs.
Identifiers: ClinVar variation 1946599 (VCV001946599.6), dbSNP rs1206078224, ClinGen allele CA624454912.

ClinVar aggregate classification (germline): Pathogenic/Likely pathogenic. Review status: criteria provided, multiple submitters, no conflicts (2 of 4 stars). 2 submissions from 2 submitters: Pathogenic (1); Likely pathogenic (1). Last evaluated 2025-05-05.

Conditions:
Fanconi anemia (FA). Also called: Fanconi's anemia. Identifiers: Orphanet 84, MedGen C0015625, MeSH D005199, MONDO:0019391.

Submissions (2):

Natera, Inc.
Classification: Likely pathogenic for Fanconi anemia. Last evaluated: 2025-05-05. Review status: criteria provided, single submitter. Criteria: Natera Variant Classification Schema (03/2026). Collection method: clinical testing. Allele origin: germline.
Comment: The c.291_295del variant in FANCA is a frameshift variant predicted to shift the reading frame beginning at codon 98 and leads to a stop codon 21 codons downstream. This variant is expected to result in nonsense mediated decay, truncation, or a dysfunctional protein product. This variant is rare in the general population with a frequency below the threshold expected for the associated phenotype(s). Given the available evidence, this variant is classified as Likely Pathogenic.

Labcorp Genetics (formerly Invitae), Labcorp
Classification: Pathogenic for Fanconi anemia. Last evaluated: 2022-11-28. Review status: criteria provided, single submitter. Criteria: Invitae Variant Classification Sherloc (09022015). Collection method: clinical testing. Allele origin: germline.
Comment: This sequence change creates a premature translational stop signal (p.Leu98Glyfs*21) in the FANCA gene. It is expected to result in an absent or disrupted protein product. Loss-of-function variants in FANCA are known to be pathogenic (PMID: 19367192). This variant is present in population databases (no rsID available, gnomAD 0.003%). This variant has not been reported in the literature in individuals affected with FANCA-related conditions. Algorithms developed to predict the effect of sequence changes on RNA splicing suggest that this variant may disrupt the consensus splice site. For these reasons, this variant has been classified as Pathogenic.

Literature cited by the submitters: PubMed 19367192 (cited by Labcorp Genetics (formerly Invitae), Labcorp).